The following is an entry in ClinVar:

ClinVar aggregate classification (germline): Benign (1 of 4 stars; one submission).

Allele frequency attached by ClinVar (database versions not stated): 1000 Genomes Project 0.04812; gnomAD 0.04888 and 0.05255; 1000 Genomes Project 30x 0.04934; TOPMed 0.05511.
gnomAD v4.1: 7,357 of 152,270 alleles (4.8%); highest among the groups gnomAD compares: African/African-American, 17%; 604 homozygotes.

Submission:

GeneDx
Classification: Benign. Last evaluated: 2018-06-14. Review status: criteria provided, single submitter. Criteria: GeneDx Variant Classification (06012015). Collection method: clinical testing. Allele origin: germline. Affected: yes.
Comment: This variant is considered likely benign or benign based on one or more of the following criteria: it is a conservative change, it occurs at a poorly conserved position in the protein, it is predicted to be benign by multiple in silico algorithms, and/or has population frequency not consistent with disease.

NM_002524.5(NRAS):c.451-334G>A

Gene: NRAS (NRAS proto-oncogene, GTPase; minus strand). Cytogenetic location: 1p13.2.
Variant type: single nucleotide variant.
Coding change: c.451-334G>A on transcript NM_002524.5 (MANE Select); 334 bases into the intron before coding-DNA position 451, G replaced by A.
Molecular consequence: intron variant.
Genome position (GRCh38, 1-based): chr1:114,708,988, C>T on the plus strand (G>A on the coding strand, the complement: NRAS is on the minus strand). VCF-style: chr1-114708988-C-T. GRCh37 (hg19) VCF-style: chr1-115251609-C-T.
Other names: c.451-334G>A (LRG_92t1).
Identifiers: ClinVar variation 561884 (VCV000561884.1), dbSNP rs9724640, ClinGen allele CA29041726.